The following is an entry in ClinVar:

NM_006379.5(SEMA3C):c.1145C>T (p.Ala382Val)

Gene: SEMA3C (semaphorin 3C; minus strand). Cytogenetic location: 7q21.11.
Variant type: single nucleotide variant.
Coding change: c.1145C>T on transcript NM_006379.5 (MANE Select); coding-DNA position 1145, C replaced by T.
Protein change: p.Ala382Val; replaces alanine 382 with valine.
Molecular consequence: missense variant.
Genome position (GRCh38, 1-based): chr7:80,789,515, G>A on the plus strand (C>T on the coding strand, the complement: SEMA3C is on the minus strand). VCF-style: chr7-80789515-G-A. GRCh37 (hg19) VCF-style: chr7-80418831-G-A.
Other names: c.1199C>T, p.Ala400Val (NM_001350120.2); c.971C>T, p.Ala324Val (NM_001350121.2); c.1145C>T (NM_006379.3); short protein forms A324V, A382V, A400V.
Identifiers: ClinVar variation 3357708 (VCV003357708.2).

ClinVar aggregate classification (germline): Uncertain significance. Review status: criteria provided, single submitter (1 of 4 stars). 2 submissions from 2 submitters: Uncertain significance (1). 1 of the submissions does not count toward it. Last evaluated 2025-10-22.

Conditions:
SEMA3C-related disorder. Also called: SEMA3C-related condition.

gnomAD v4.1: 81 of 1,610,168 alleles (0.005%); highest among the groups gnomAD compares: South Asian, 0.085%; 1 homozygote.

Submissions (2):

Ambry Genetics
Classification: Uncertain significance. Last evaluated: 2025-10-22. Review status: criteria provided, single submitter. Criteria: Ambry Variant Classification Scheme 2023. Collection method: clinical testing. Allele origin: germline.

PreventionGenetics, part of Exact Sciences
Classification: Uncertain significance for SEMA3C-related condition. Last evaluated: 2023-12-27. Review status: no assertion criteria provided. Collection method: clinical testing. Allele origin: germline. Not counted in ClinVar's aggregate classification.
Comment: The SEMA3C c.1199C>T variant is predicted to result in the amino acid substitution p.Ala400Val. To our knowledge, this variant has not been reported in the literature. This variant is reported in 0.087% of alleles in individuals of South Asian descent in gnomAD, which may be too common to be a primary cause of disease. Although we suspect that this variant may be benign, at this time, the clinical significance of this variant is uncertain due to the absence of conclusive functional and genetic evidence.